The following is an entry in ClinVar:

ClinVar aggregate classification (germline): Likely pathogenic (1 of 4 stars; one submission).

Conditions:
3-M syndrome. Also called: 3M SYNDROME; Three M syndrome; 3-MSBN; Three-M slender-boned nanism. Identifiers: Orphanet 2616, MedGen C1848862, MONDO:0007477.

Submission:

Women's Health and Genetics/Laboratory Corporation of America, LabCorp
Classification: Likely pathogenic for 3-M syndrome. Last evaluated: 2022-04-08. Review status: criteria provided, single submitter. Criteria: LabCorp Variant Classification Summary - May 2015. Collection method: clinical testing. Allele origin: germline.
Comment: Variant summary: CUL7 c.649_654delAGCCGC (p.Ser217_Arg218del) results in an in-frame deletion that is predicted to remove two highly conserved amino acids from the encoded protein. The variant was absent in 251496 control chromosomes. c.649_654delAGCCGC has been reported in the literature at least one large consanguineous family in the homozygous state in affected individuals with characteristic radiologic findings of Three M Syndrome 1 (eg. Akawi_2011). These data indicate that the variant is likely to be associated with disease. To our knowledge, no experimental evidence demonstrating an impact on protein function has been reported. No clinical diagnostic laboratories have submitted clinical-significance assessments for this variant to ClinVar after 2014. Based on the evidence outlined above, the variant was classified as likely pathogenic.

Literature cited by the submitters: PubMed 21548126.

NM_014780.5(CUL7):c.649_654del (p.Ser217_Arg218del)

Gene: CUL7 (cullin 7; minus strand). Cytogenetic location: 6p21.1.
Variant type: Deletion.
Coding change: c.649_654del on transcript NM_014780.5 (MANE Select); coding-DNA positions 649 to 654, 6 bases deleted (AGCCGC; older notation c.649_654delAGCCGC).
Protein change: p.Ser217_Arg218del.
Molecular consequence: inframe deletion.
Genome position (GRCh38, 1-based): chr6:43,051,690-43,051,695, GCGGCT deleted on the plus strand (AGCCGC on the coding strand, the reverse complement: CUL7 is on the minus strand); deleting any 6 consecutive bases within chr6:43,051,690-43,051,696 gives the same sequence; the c. name uses the placement nearest the transcript's 3' end. VCF-style (leftmost placement, unchanged base first): chr6-43051689-AGCGGCT-A. GRCh37 (hg19) VCF-style: chr6-43019427-AGCGGCT-A.
Other names: c.745_750del, p.Ser249_Arg250del (NM_001168370.2, NM_001374872.1); c.649_654del, p.Ser217_Arg218del (NM_001374873.1, NM_001374874.1).
Identifiers: ClinVar variation 1683344 (VCV001683344.1), dbSNP rs1340929933, ClinGen allele CA824875588.